The following is an entry in ClinVar:

ClinVar aggregate classification (germline): Uncertain significance. Review status: criteria provided, multiple submitters, no conflicts (2 of 4 stars). 2 submissions from 2 submitters: Uncertain significance (2). Last evaluated 2025-08-07.

Conditions:
Inborn genetic diseases. Identifiers: MedGen C0950123, MeSH D030342.

gnomAD v4.1: 8 of 1,613,790 alleles (0.0005%); highest among the groups gnomAD compares: East Asian, 0.0022%; no homozygotes.

Submissions (2):

Ambry Genetics
Classification: Uncertain significance for Inborn genetic diseases. Last evaluated: 2025-08-07. Review status: criteria provided, single submitter. Criteria: Ambry Variant Classification Scheme 2023. Collection method: clinical testing. Allele origin: germline.

Labcorp Genetics (formerly Invitae), Labcorp
Classification: Uncertain significance. Last evaluated: 2024-11-25. Review status: criteria provided, single submitter. Criteria: Invitae Variant Classification Sherloc (09022015). Collection method: clinical testing. Allele origin: germline.
Comment: This sequence change replaces arginine, which is basic and polar, with cysteine, which is neutral and slightly polar, at codon 1794 of the MYH14 protein (p.Arg1794Cys). This variant is present in population databases (rs751422907, gnomAD 0.003%). This variant has not been reported in the literature in individuals affected with MYH14-related conditions. Invitae Evidence Modeling of protein sequence and biophysical properties (such as structural, functional, and spatial information, amino acid conservation, physicochemical variation, residue mobility, and thermodynamic stability) indicates that this missense variant is expected to disrupt MYH14 protein function with a positive predictive value of 80%. In summary, the available evidence is currently insufficient to determine the role of this variant in disease. Therefore, it has been classified as a Variant of Uncertain Significance.

NM_001145809.2(MYH14):c.5503C>T (p.Arg1835Cys)

Gene: MYH14 (myosin heavy chain 14; plus strand). Cytogenetic location: 19q13.33.
Variant type: single nucleotide variant.
Coding change: c.5503C>T on transcript NM_001145809.2 (MANE Select); coding-DNA position 5503, C replaced by T.
Protein change: p.Arg1835Cys; replaces arginine 1835 with cysteine.
Molecular consequence: missense variant.
Genome position (GRCh38, 1-based): chr19:50,301,694, C>T. VCF-style: chr19-50301694-C-T. GRCh37 (hg19) VCF-style: chr19-50804951-C-T.
Other names: c.5404C>T, p.Arg1802Cys (NM_001077186.2); c.5380C>T, p.Arg1794Cys (NM_024729.4); c.5380C>T (NM_024729.3); short protein forms R1794C, R1802C, R1835C.
Identifiers: ClinVar variation 3625502 (VCV003625502.3).